The following is an entry in ClinVar:

NM_205850.3(SLC24A5):c.184C>T (p.Gln62Ter)

Gene: SLC24A5 (solute carrier family 24 member 5; plus strand). Cytogenetic location: 15q21.1.
Variant type: single nucleotide variant.
Coding change: c.184C>T on transcript NM_205850.3 (MANE Select); coding-DNA position 184, C replaced by T.
Protein change: p.Gln62Ter; replaces glutamine 62 with a stop codon.
Molecular consequence: nonsense.
Genome position (GRCh38, 1-based): chr15:48,121,919, C>T. VCF-style: chr15-48121919-C-T. GRCh37 (hg19) VCF-style: chr15-48414116-C-T.
Other names: short protein forms Q62*.
Identifiers: ClinVar variation 1284554 (VCV001284554.34), dbSNP rs147601285, ClinGen allele CA7545781.

ClinVar aggregate classification (germline): Pathogenic. Review status: criteria provided, multiple submitters, no conflicts (2 of 4 stars). 5 submissions from 5 submitters: Pathogenic (2). 3 of the submissions do not count toward it. Last evaluated 2024-03-19.

Allele frequency attached by ClinVar (database versions not stated): ExAC 0.00002; gnomAD 0.00003; gnomAD exomes 0.00004.
gnomAD v4.1: 84 of 1,614,014 alleles (0.0052%); highest among the groups gnomAD compares: Non-Finnish European, 0.0069%; no homozygotes.

Submissions (5):

Labcorp Genetics (formerly Invitae), Labcorp
Classification: Pathogenic. Last evaluated: 2024-03-19. Review status: criteria provided, single submitter. Criteria: Invitae Variant Classification Sherloc (09022015). Collection method: clinical testing. Allele origin: germline.
Comment: This sequence change creates a premature translational stop signal (p.Gln62*) in the SLC24A5 gene. It is expected to result in an absent or disrupted protein product. Loss-of-function variants in SLC24A5 are known to be pathogenic (PMID: 23985994, 26686029). This variant is present in population databases (rs147601285, gnomAD 0.009%). This premature translational stop signal has been observed in individual(s) with clinical features of SLC24A5-related conditions (PMID: 29345414). ClinVar contains an entry for this variant (Variation ID: 1284554). Algorithms developed to predict the effect of sequence changes on RNA splicing suggest that this variant may disrupt the consensus splice site. For these reasons, this variant has been classified as Pathogenic.

CeGaT Center for Human Genetics Tuebingen
Classification: Pathogenic. Last evaluated: 2023-08-01. Review status: criteria provided, single submitter. Criteria: CeGaT Center For Human Genetics Tuebingen Variant Classification Criteria Version 2. Collection method: clinical testing. Allele origin: germline. Affected: yes. Observed: 2 variant alleles.
Comment: SLC24A5: PVS1, PM2, PP4

Clinical Genetics DNA and cytogenetics Diagnostics Lab, Erasmus MC, Erasmus Medical Center
Classification: Pathogenic. Review status: no assertion criteria provided. Collection method: clinical testing. Allele origin: germline. Affected: yes. Study: VKGL Data-share Consensus. Not counted in ClinVar's aggregate classification.

Clinical Genetics, Academic Medical Center
Classification: Pathogenic. Review status: no assertion criteria provided. Collection method: clinical testing. Allele origin: germline. Affected: yes. Study: VKGL Data-share Consensus. Not counted in ClinVar's aggregate classification.

Joint Genome Diagnostic Labs from Nijmegen and Maastricht, Radboudumc and MUMC+
Classification: Pathogenic. Review status: no assertion criteria provided. Collection method: clinical testing. Allele origin: germline. Affected: yes. Study: VKGL Data-share Consensus. Not counted in ClinVar's aggregate classification.

Literature cited by the submitters: PubMed 23985994 (cited by Labcorp Genetics (formerly Invitae), Labcorp); PubMed 26686029 (cited by Labcorp Genetics (formerly Invitae), Labcorp); PubMed 29345414 (cited by Labcorp Genetics (formerly Invitae), Labcorp).